The following is an entry in ClinVar:

ClinVar aggregate classification (germline): Likely benign (0 of 4 stars; one submission).

Conditions:
EPPK1-related disorder. Also called: EPPK1-related condition.

Allele frequency attached by ClinVar (database versions not stated): ESP Exome Variant Server 0.00016; gnomAD 0.00025; ExAC 0.00035; TOPMed 0.00036; 1000 Genomes Project 0.00040; 1000 Genomes Project 30x 0.00078.
gnomAD v4.1: 377 of 1,612,644 alleles (0.023%); highest among the groups gnomAD compares: Admixed American, 0.21%; no homozygotes.

Submission:

PreventionGenetics, part of Exact Sciences
Classification: Likely benign for EPPK1-related condition. Last evaluated: 2022-08-24. Review status: no assertion criteria provided. Collection method: clinical testing. Allele origin: germline.
Comment: This variant is classified as likely benign based on ACMG/AMP sequence variant interpretation guidelines (Richards et al. 2015 PMID: 25741868, with internal and published modifications).

NM_031308.4(EPPK1):c.5811C>T (p.Thr1937=)

Gene: EPPK1 (epiplakin 1; minus strand). Cytogenetic location: 8q24.3.
Variant type: single nucleotide variant.
Coding change: c.5811C>T on transcript NM_031308.4 (MANE Select); coding-DNA position 5811, C replaced by T.
Protein change: p.Thr1937=; no amino-acid change (threonine 1937 retained).
Molecular consequence: synonymous variant.
Genome position (GRCh38, 1-based): chr8:143,867,443, G>A on the plus strand (C>T on the coding strand, the complement: EPPK1 is on the minus strand). VCF-style: chr8-143867443-G-A. GRCh37 (hg19) VCF-style: chr8-144941611-G-A.
Identifiers: ClinVar variation 3051435 (VCV003051435.2), dbSNP rs369357888, ClinGen allele CA4922034.